The following is an entry in ClinVar:

NM_198904.4(GABRG2):c.1254C>T (p.Asp418=)

Gene: GABRG2 (gamma-aminobutyric acid type A receptor subunit gamma2; plus strand). Cytogenetic location: 5q34.
Variant type: single nucleotide variant.
Coding change: c.1254C>T on transcript NM_198904.4 (MANE Select); coding-DNA position 1254, C replaced by T.
Protein change: p.Asp418=; no amino-acid change (aspartic acid 418 retained).
Molecular consequence: synonymous variant. On other transcripts: 3 prime UTR variant (1).
Genome position (GRCh38, 1-based): chr5:162,153,194, C>T. VCF-style: chr5-162153194-C-T. GRCh37 (hg19) VCF-style: chr5-161580200-C-T.
Other names: c.1245C>T, p.Asp415= (NM_001375339.1); c.*88C>T (NM_001375340.1); c.1251C>T, p.Asp417= (NM_001375341.1); c.1227C>T, p.Asp409= (NM_001375342.1); c.1350C>T, p.Asp450= (NM_001375343.1); c.1293C>T, p.Asp431= (NM_001375344.1); c.1164C>T, p.Asp388= (NM_001375345.1); c.1188C>T, p.Asp396= (NM_001375346.1); and 6 more.
Identifiers: ClinVar variation 377907 (VCV000377907.39), dbSNP rs113085352, ClinGen allele CA3544981.

ClinVar aggregate classification (germline): Conflicting classifications of pathogenicity. Review status: criteria provided, conflicting classifications (1 of 4 stars). 4 submissions from 4 submitters: Uncertain significance (1); Benign (1); Likely benign (2). Last evaluated 2026-06-01.

Conditions:
EPILEPSY, CHILDHOOD ABSENCE, SUSCEPTIBILITY TO, 2 (ECA2). Identifiers: Orphanet 64280, MedGen C1843244, OMIM 607681.
Febrile seizures, familial, 8 (FEB8). Also called: CONVULSIONS, FAMILIAL FEBRILE, 8. Identifiers: Orphanet 36387, MedGen C1969810, MONDO:0011891, OMIM 607681.

Allele frequency attached by ClinVar (database versions not stated): TOPMed 0.00005; gnomAD 0.00006 and 0.00009; gnomAD exomes 0.00009 and 0.00014; ExAC 0.00010; 1000 Genomes Project 30x 0.00016; 1000 Genomes Project 0.00020.
gnomAD v4.1: 212 of 1,614,034 alleles (0.013%); highest among the groups gnomAD compares: East Asian, 0.35%; 1 homozygote.

Submissions (4):

CeGaT Center for Human Genetics Tuebingen
Classification: Likely benign. Last evaluated: 2026-06-01. Review status: criteria provided, single submitter. Criteria: CeGaT Center For Human Genetics Tuebingen Variant Classification Criteria Version 2. Collection method: clinical testing. Allele origin: germline. Affected: yes. Observed: 3 variant alleles.
Comment: GABRG2: BP4, BP7, BS1

Labcorp Genetics (formerly Invitae), Labcorp
Classification: Likely benign for Febrile seizures, familial, 8; EPILEPSY, CHILDHOOD ABSENCE, SUSCEPTIBILITY TO, 2. Last evaluated: 2025-12-21. Review status: criteria provided, single submitter. Criteria: Invitae Variant Classification Sherloc (09022015). Collection method: clinical testing. Allele origin: germline.

Illumina Laboratory Services, Illumina
Classification: Uncertain significance for Febrile seizures, familial, 8. Last evaluated: 2017-04-27. Review status: criteria provided, single submitter. Criteria: ICSL Variant Classification Criteria 13 December 2019. Collection method: clinical testing. Allele origin: germline.

GeneDx
Classification: Benign. Last evaluated: 2015-05-04. Review status: criteria provided, single submitter. Criteria: GeneDx Variant Classification (06012015). Collection method: clinical testing. Allele origin: germline. Affected: yes.
Comment: This variant is considered likely benign or benign based on one or more of the following criteria: it is a conservative change, it occurs at a poorly conserved position in the protein, it is predicted to be benign by multiple in silico algorithms, and/or has population frequency not consistent with disease.